The following is an entry in ClinVar:

NM_007194.4(CHEK2):c.1428G>A (p.Thr476=)

Gene: CHEK2 (checkpoint kinase 2; minus strand). Cytogenetic location: 22q12.1.
Variant type: single nucleotide variant.
Coding change: c.1428G>A on transcript NM_007194.4 (MANE Select); coding-DNA position 1428, G replaced by A.
Protein change: p.Thr476=; no amino-acid change (threonine 476 retained).
Molecular consequence: synonymous variant.
Genome position (GRCh38, 1-based): chr22:28,694,065, C>T on the plus strand (G>A on the coding strand, the complement: CHEK2 is on the minus strand). VCF-style: chr22-28694065-C-T. GRCh37 (hg19) VCF-style: chr22-29090053-C-T.
Other names: c.1557G>A, p.Thr519= (NM_001005735.3); c.765G>A, p.Thr255= (NM_001257387.3); c.1227G>A, p.Thr409= (NM_001349956.3); c.1341G>A, p.Thr447= (NM_145862.3).
Identifiers: ClinVar variation 415933 (VCV000415933.20), dbSNP rs1060504697, ClinGen allele CA16616310.

ClinVar aggregate classification (germline): Benign/Likely benign. Review status: criteria provided, multiple submitters, no conflicts (2 of 4 stars). 5 submissions from 5 submitters: Benign (1); Likely benign (4). Last evaluated 2025-12-08.

Conditions:
Hereditary cancer-predisposing syndrome. Also called: Tumor predisposition; Neoplastic Syndromes, Hereditary; Hereditary neoplastic syndrome; Hereditary Cancer Syndrome. Identifiers: Orphanet 140162, MedGen C0027672, MeSH D009386, MONDO:0015356.
Familial cancer of breast. Also called: Hereditary breast cancer; BREAST CANCER, FAMILIAL; hereditary breast carcinoma. Identifiers: Orphanet 227535, MedGen C0346153, MONDO:0016419, OMIM 114480. Disease mechanism: loss of function.

Allele frequency attached by ClinVar (database versions not stated): gnomAD exomes below 0.00001; TOPMed 0.00001.
gnomAD v4.1: 5 of 1,596,090 alleles (0.00031%); highest among the groups gnomAD compares: Admixed American, 0.0017%; no homozygotes.

Submissions (5):

Labcorp Genetics (formerly Invitae), Labcorp
Classification: Likely benign for Familial cancer of breast. Last evaluated: 2025-12-08. Review status: criteria provided, single submitter. Criteria: Invitae Variant Classification Sherloc (09022015). Collection method: clinical testing. Allele origin: germline.

Myriad Genetics, Inc.
Classification: Benign for Familial cancer of breast. Last evaluated: 2024-10-08. Review status: criteria provided, single submitter. Criteria: Myriad Autosomal Dominant, Autosomal Recessive and X-Linked Classification Criteria (2023). Collection method: clinical testing. Allele origin: unknown.
Comment: This variant is considered benign. This variant is a silent/synonymous amino acid change and it is not expected to impact splicing.

Sema4
Classification: Likely benign for Hereditary cancer-predisposing syndrome. Last evaluated: 2021-04-23. Review status: criteria provided, single submitter. Criteria: Sema4 Curation Guidelines. Collection method: curation. Allele origin: germline.

Color Diagnostics, LLC DBA Color Health
Classification: Likely benign for Hereditary cancer-predisposing syndrome. Last evaluated: 2017-04-24. Review status: criteria provided, single submitter. Criteria: ACMG Guidelines, 2015. Collection method: clinical testing. Allele origin: germline.

Ambry Genetics
Classification: Likely benign for Hereditary cancer-predisposing syndrome. Last evaluated: 2015-06-09. Review status: criteria provided, single submitter. Criteria: Ambry Variant Classification Scheme 2023. Collection method: clinical testing. Allele origin: germline.